The following is an entry in ClinVar:

ClinVar aggregate classification (germline): Uncertain significance. Review status: criteria provided, multiple submitters, no conflicts (2 of 4 stars). 2 submissions from 2 submitters: Uncertain significance (2). Last evaluated 2022-07-12.

Conditions:
Wolcott-Rallison dysplasia. Also called: MED-IDDM SYNDROME; Wolcott-Rallison syndrome. Identifiers: Orphanet 1667, MedGen C0432217, MONDO:0009192, OMIM 226980.

Allele frequency attached by ClinVar (database versions not stated): gnomAD 0.00001 and 0.00003; gnomAD exomes 0.00001 and 0.00003; ExAC 0.00003; TOPMed 0.00005; ESP Exome Variant Server 0.00008.
gnomAD v4.1: 23 of 1,614,228 alleles (0.0014%); highest among the groups gnomAD compares: African/African-American, 0.0027%; no homozygotes.

Submissions (2):

Labcorp Genetics (formerly Invitae), Labcorp
Classification: Uncertain significance. Last evaluated: 2022-07-12. Review status: criteria provided, single submitter. Criteria: Invitae Variant Classification Sherloc (09022015). Collection method: clinical testing. Allele origin: germline.
Comment: This sequence change replaces lysine, which is basic and polar, with glutamic acid, which is acidic and polar, at codon 823 of the EIF2AK3 protein (p.Lys823Glu). This variant is present in population databases (rs374540128, gnomAD 0.006%). This variant has not been reported in the literature in individuals affected with EIF2AK3-related conditions. ClinVar contains an entry for this variant (Variation ID: 895604). Algorithms developed to predict the effect of missense changes on protein structure and function (SIFT, PolyPhen-2, Align-GVGD) all suggest that this variant is likely to be tolerated. In summary, the available evidence is currently insufficient to determine the role of this variant in disease. Therefore, it has been classified as a Variant of Uncertain Significance.

Illumina Laboratory Services, Illumina
Classification: Uncertain significance for Wolcott-Rallison dysplasia. Last evaluated: 2018-01-12. Review status: criteria provided, single submitter. Criteria: ICSL Variant Classification Criteria 13 December 2019. Collection method: clinical testing. Allele origin: germline.

NM_004836.7(EIF2AK3):c.2467A>G (p.Lys823Glu)

Genes: EIF2AK3 (eukaryotic translation initiation factor 2 alpha kinase 3; minus strand), EIF2AK3-AS1 (EIF2AK3 antisense RNA 1; plus strand). Cytogenetic location: 2p11.2.
Variant type: single nucleotide variant.
Coding change: c.2467A>G on transcript NM_004836.7 (MANE Select); coding-DNA position 2467, A replaced by G.
Protein change: p.Lys823Glu; replaces lysine 823 with glutamic acid.
Molecular consequence: missense variant. On other transcripts: non-coding transcript variant (1).
Genome position (GRCh38, 1-based): chr2:88,575,016, T>C on the plus strand (A>G on the coding strand, the complement: EIF2AK3 is on the minus strand). VCF-style: chr2-88575016-T-C. GRCh37 (hg19) VCF-style: chr2-88874534-T-C.
Other names: c.2014A>G, p.Lys672Glu (NM_001313915.2); short protein forms K672E, K823E.
Identifiers: ClinVar variation 895604 (VCV000895604.9), dbSNP rs374540128, ClinGen allele CA1754446.
Genomic context (GRCh38, chr2:88,575,016, plus strand): 5'-TGGGCTTGAAAGCAGTTAGTTTATTAGCACAATGGTTGCCAATATGCAATCGATTAGTTT[T>C]CGGCTCTTCTTTACTGGAAGCATTATCACAGCCAGAATCTTCAAATACTATTGAAGAGGA-3'
Protein context (NP_004827.4, residues 813-833): CDNASSKEEP[Lys823Glu]TNRLHIGNHC